The following is an entry in ClinVar:

ClinVar aggregate classification (germline): Uncertain significance (1 of 4 stars; one submission).

Conditions:
Dihydropteridine reductase deficiency (HPABH4C). Also called: BH4-Deficient Hyperphenylalaninemia C; HYPERPHENYLALANINEMIA, TETRAHYDROBIOPTERIN-DEFICIENT, DUE TO DHPR DEFICIENCY; QDPR DEFICIENCY; QUINOID DIHYDROPTERIDINE REDUCTASE DEFICIENCY; Phenylketonuria II; Hyperphenylalaninemia due to dihydropteridine reductase deficiency. Identifiers: Orphanet 226, Orphanet 238583, MedGen C0268465, MONDO:0009862, OMIM 261630.

Allele frequency attached by ClinVar (database versions not stated): TOPMed 0.00002; gnomAD 0.00003.
gnomAD v4.1: 67 of 1,613,894 alleles (0.0042%); highest among the groups gnomAD compares: East Asian, 0.022%; no homozygotes.

Submission:

Labcorp Genetics (formerly Invitae), Labcorp
Classification: Uncertain significance for Dihydropteridine reductase deficiency. Last evaluated: 2022-09-23. Review status: criteria provided, single submitter. Criteria: Invitae Variant Classification Sherloc (09022015). Collection method: clinical testing. Allele origin: germline.
Comment: This sequence change replaces serine, which is neutral and polar, with leucine, which is neutral and non-polar, at codon 59 of the QDPR protein (p.Ser59Leu). This variant is present in population databases (rs201345615, gnomAD 0.02%). This variant has not been reported in the literature in individuals affected with QDPR-related conditions. ClinVar contains an entry for this variant (Variation ID: 1508230). Algorithms developed to predict the effect of missense changes on protein structure and function are either unavailable or do not agree on the potential impact of this missense change (SIFT: "Deleterious"; PolyPhen-2: "Benign"; Align-GVGD: "Class C0"). In summary, the available evidence is currently insufficient to determine the role of this variant in disease. Therefore, it has been classified as a Variant of Uncertain Significance.

NM_000320.3(QDPR):c.176C>T (p.Ser59Leu)

Gene: QDPR (quinoid dihydropteridine reductase; minus strand). Cytogenetic location: 4p15.32.
Variant type: single nucleotide variant.
Coding change: c.176C>T on transcript NM_000320.3 (MANE Select); coding-DNA position 176, C replaced by T.
Protein change: p.Ser59Leu; replaces serine 59 with leucine.
Molecular consequence: missense variant. On other transcripts: non-coding transcript variant (1), intron variant (1).
Genome position (GRCh38, 1-based): chr4:17,509,293, G>A on the plus strand (C>T on the coding strand, the complement: QDPR is on the minus strand). VCF-style: chr4-17509293-G-A. GRCh37 (hg19) VCF-style: chr4-17510916-G-A.
Other names: c.105+2657C>T (NM_001306140.2); short protein forms S59L.
Identifiers: ClinVar variation 1508230 (VCV001508230.3), dbSNP rs201345615, ClinGen allele CA2868200.